The following is an entry in ClinVar:

ClinVar aggregate classification (germline): Pathogenic (1 of 4 stars; one submission).

Conditions:
Spondylocostal dysostosis 2, autosomal recessive (SCDO2). Also called: Spondylocostal dysostosis type 2; MESP2-Related Spondylocostal Dysostosis, Autosomal Recessive. Identifiers: Orphanet 2311, MedGen C1837549, MONDO:0012097, OMIM 608681.

Submission:

Myriad Genetics, Inc.
Classification: Pathogenic for Spondylocostal dysostosis 2, autosomal recessive. Last evaluated: 2025-05-09. Review status: criteria provided, single submitter. Criteria: Myriad Autosomal Dominant, Autosomal Recessive and X-Linked Classification Criteria (2023). Collection method: clinical testing. Allele origin: unknown.
Comment: NM_001039958.1(MESP2):c.413delT(V138Gfs*343) is a frameshift variant classified as pathogenic in the context of spondylothoracic dysostosis. V138Gfs*343 has not been observed in cases with relevant disease. Relevant functional assessments of this variant are not available in the literature. V138Gfs*343 has not been observed in referenced population frequency databases. In summary, NM_001039958.1(MESP2):c.413delT(V138Gfs*343) is a frameshift variant in a gene where loss of function is a known mechanism of disease and is predicted to disrupt protein function. Please note: this variant was assessed in the context of healthy population screening.

NM_001039958.2(MESP2):c.413del (p.Val138fs)

Gene: MESP2 (mesoderm posterior bHLH transcription factor 2; plus strand). Cytogenetic location: 15q26.1.
Variant type: Deletion.
Coding change: c.413del on transcript NM_001039958.2 (MANE Select); coding-DNA position 413, one base deleted (T; older notation c.413delT).
Protein change: p.Val138fs; shifts the reading frame from valine 138.
Molecular consequence: frameshift variant.
Genome position (GRCh38, 1-based): chr15:89,776,770, T deleted. VCF-style (leftmost placement, unchanged base first): chr15-89776769-GT-G. GRCh37 (hg19) VCF-style: chr15-90320000-GT-G.
Other names: short protein forms V138fs.
Identifiers: ClinVar variation 4081733 (VCV004081733.1).
Genomic context (GRCh38, chr15:89,776,769, plus strand): 5'-AGCCTGACCAAGATCGAGACGCTGCGCCTGGCCATCCGCTACATCGGCCACCTATCGGCC[GT>G]GCTGGGTCTCAGCGAGGAGAGTCTGCAGTGCCGGCGCAGGCAGCGCGGGGACGCGGGGTC-3'